The following is an entry in ClinVar:

ClinVar aggregate classification (germline): Benign (0 of 4 stars; one submission).

Conditions:
PIK3C2B-related disorder. Also called: PIK3C2B-related condition.

Allele frequency attached by ClinVar (database versions not stated): gnomAD exomes 0.00048; ExAC 0.00165; 1000 Genomes Project 0.00339; 1000 Genomes Project 30x 0.00406; gnomAD 0.00471; ESP Exome Variant Server 0.00523; TOPMed 0.00548.

Submissions (2):

PreventionGenetics, part of Exact Sciences
Classification: Benign for PIK3C2B-related condition. Last evaluated: 2024-04-25. Review status: no assertion criteria provided. Collection method: clinical testing. Allele origin: germline.
Comment: This variant is classified as benign based on ACMG/AMP sequence variant interpretation guidelines (Richards et al. 2015 PMID: 25741868, with internal and published modifications).

Dr. Peter K. Rogan Lab, Western University
No classification provided (evidence only). Condition: Uterine corpus endometrial carcinoma. Review status: no classification provided. Collection method: in vitro. Allele origin: not applicable. Functional consequence: retained intron. Not counted in ClinVar's aggregate classification.

NM_001377334.1(PIK3C2B):c.223C>T (p.Arg75Trp)

Gene: PIK3C2B (phosphatidylinositol-4-phosphate 3-kinase catalytic subunit type 2 beta; minus strand). Cytogenetic location: 1q32.1.
Variant type: single nucleotide variant.
Coding change: c.223C>T on transcript NM_001377334.1 (MANE Select); coding-DNA position 223, C replaced by T.
Protein change: p.Arg75Trp; replaces arginine 75 with tryptophan.
Molecular consequence: missense variant.
Genome position (GRCh38, 1-based): chr1:204,469,580, G>A on the plus strand (C>T on the coding strand, the complement: PIK3C2B is on the minus strand). VCF-style: chr1-204469580-G-A. GRCh37 (hg19) VCF-style: chr1-204438708-G-A.
Other names: NC_000001.10:g.204438708G>A; c.223C>T, p.Arg75Trp (NM_001377335.1, NM_002646.4); short protein forms R75W.
Identifiers: ClinVar variation 3049538 (VCV003049538.3), dbSNP rs61761687, ClinGen allele CA1348398.